The following is an entry in ClinVar:

ClinVar aggregate classification (germline): Uncertain significance (1 of 4 stars; one submission).

Conditions:
Inborn genetic diseases. Identifiers: MedGen C0950123, MeSH D030342.

gnomAD v4.1: 2 of 1,613,862 alleles (0.00012%); highest among the groups gnomAD compares: Non-Finnish European, 0.00017%; no homozygotes.

Submission:

Ambry Genetics
Classification: Uncertain significance for Inborn genetic diseases. Last evaluated: 2025-02-01. Review status: criteria provided, single submitter. Criteria: Ambry Variant Classification Scheme 2023. Collection method: clinical testing. Allele origin: germline.
Comment: The p.E929K variant (also known as c.2785G>A), located in coding exon 13 of the ASXL1 gene, results from a G to A substitution at nucleotide position 2785. The glutamic acid at codon 929 is replaced by lysine, an amino acid with similar properties. This amino acid position is conserved. In addition, this alteration is predicted to be tolerated by in silico analysis. Based on the available evidence, the clinical significance of this variant remains unclear.

NM_015338.6(ASXL1):c.2785G>A (p.Glu929Lys)

Gene: ASXL1 (ASXL transcriptional regulator 1; plus strand). Cytogenetic location: 20q11.21.
Variant type: single nucleotide variant.
Coding change: c.2785G>A on transcript NM_015338.6 (MANE Select); coding-DNA position 2785, G replaced by A.
Protein change: p.Glu929Lys; replaces glutamic acid 929 with lysine.
Molecular consequence: missense variant.
Genome position (GRCh38, 1-based): chr20:32,435,497, G>A. VCF-style: chr20-32435497-G-A. GRCh37 (hg19) VCF-style: chr20-31023300-G-A.
Other names: c.2602G>A, p.Glu868Lys (NM_001363734.1); short protein forms E929K, E868K.
Identifiers: ClinVar variation 3793011 (VCV003793011.1).